The following is an entry in ClinVar:

NM_001374736.1(DST):c.20308A>G (p.Lys6770Glu)

Gene: DST (dystonin; minus strand). Cytogenetic location: 6p12.1.
Variant type: single nucleotide variant.
Coding change: c.20308A>G on transcript NM_001374736.1 (MANE Select); coding-DNA position 20308, A replaced by G.
Protein change: p.Lys6770Glu; replaces lysine 6770 with glutamic acid.
Molecular consequence: missense variant.
Genome position (GRCh38, 1-based): chr6:56,494,096, T>C on the plus strand (A>G on the coding strand, the complement: DST is on the minus strand). VCF-style: chr6-56494096-T-C. GRCh37 (hg19) VCF-style: chr6-56358894-T-C.
Other names: c.13951A>G, p.Lys4651Glu (NM_001144769.5); c.13537A>G, p.Lys4513Glu (NM_001144770.2); c.20308A>G, p.Lys6770Glu (NM_001374722.1); c.19348A>G, p.Lys6450Glu (NM_001374729.1); c.13090A>G, p.Lys4364Glu (NM_001374730.1); c.20335A>G, p.Lys6779Glu (NM_001374734.1); c.13417A>G, p.Lys4473Glu (NM_001386100.1, NM_183380.4); c.12439A>G, p.Lys4147Glu (NM_015548.5); short protein forms K4513E, K6450E, K6779E, K4473E, K4147E, K4364E, K4651E, K6770E.
Identifiers: ClinVar variation 4794812 (VCV004794812.1).

ClinVar aggregate classification (germline): Uncertain significance (1 of 4 stars; one submission).

Conditions:
Hereditary sensory and autonomic neuropathy type 6. Also called: Neuropathy, hereditary sensory and autonomic, type VI; HSAN VI. Identifiers: Orphanet 314381, MedGen C3539003, MONDO:0013839, OMIM 614653.
Epidermolysis bullosa simplex 3, localized or generalized intermediate, with BP230 deficiency (EBS3). Also called: Epidermolysis bullosa simplex due to BP230 deficiency; Epidermolysis bullosa simplex, autosomal recessive 2. Identifiers: Orphanet 412181, MedGen C3809470, MONDO:0014180, OMIM 615425.

gnomAD v4.1: 1 of 1,611,978 alleles (0.000062%); highest among the groups gnomAD compares: Non-Finnish European, 0.000085%; no homozygotes.

Submission:

Labcorp Genetics (formerly Invitae), Labcorp
Classification: Uncertain significance for Epidermolysis bullosa simplex 3, localized or generalized intermediate, with BP230 deficiency; Hereditary sensory and autonomic neuropathy type 6. Last evaluated: 2025-02-12. Review status: criteria provided, single submitter. Criteria: Invitae Variant Classification Sherloc (09022015). Collection method: clinical testing. Allele origin: germline.
Comment: The DST gene has multiple clinically relevant transcripts. This variant occurs in alternate transcript NM_015548.4, and corresponds to NM_001723.5 c.*121421A>G in the primary transcript. This sequence change replaces lysine, which is basic and polar, with glutamic acid, which is acidic and polar, at codon 4147 of the DST protein (p.Lys4147Glu). This variant is not present in population databases (gnomAD no frequency). This variant has not been reported in the literature in individuals affected with DST-related conditions. Experimental studies and prediction algorithms are not available or were not evaluated, and the functional significance of this variant is currently unknown. In summary, the available evidence is currently insufficient to determine the role of this variant in disease. Therefore, it has been classified as a Variant of Uncertain Significance.